The following is an entry in ClinVar:

NM_006922.4(SCN3A):c.3844-1G>A

Gene: SCN3A (sodium voltage-gated channel alpha subunit 3; minus strand). Cytogenetic location: 2q24.3.
Variant type: single nucleotide variant.
Coding change: c.3844-1G>A on transcript NM_006922.4 (MANE Select); the canonical splice acceptor site of the intron before coding-DNA position 3844, G replaced by A.
Molecular consequence: splice acceptor variant.
Genome position (GRCh38, 1-based): chr2:165,100,425, C>T on the plus strand (G>A on the coding strand, the complement: SCN3A is on the minus strand). VCF-style: chr2-165100425-C-T. GRCh37 (hg19) VCF-style: chr2-165956935-C-T.
Other names: c.3697-1G>A (NM_001081676.2, NM_001081677.2).
Identifiers: ClinVar variation 4975514 (VCV004975514.1).

ClinVar aggregate classification (germline): Uncertain significance (1 of 4 stars; one submission).

Submission:

GeneDx
Classification: Uncertain significance. Last evaluated: 2026-01-22. Review status: criteria provided, single submitter. Criteria: GeneDx Variant Classification Process June 2021. Collection method: clinical testing. Allele origin: germline.
Comment: Not observed at significant frequency in large population cohorts (gnomAD); Canonical splice site variant with an unclear effect on protein function; Has not been previously published as pathogenic or benign to our knowledge